The following is an entry in ClinVar:

ClinVar aggregate classification (germline): Uncertain significance (1 of 4 stars; one submission).

Conditions:
Cardiovascular phenotype. Identifiers: MedGen CN230736.

Submission:

Ambry Genetics
Classification: Uncertain significance for Cardiovascular phenotype. Last evaluated: 2026-05-14. Review status: criteria provided, single submitter. Criteria: Ambry Variant Classification Scheme 2023. Collection method: clinical testing. Allele origin: germline.
Comment: The p.K283Q variant (also known as c.847A>C), located in coding exon 5 of the CBL gene, results from an A to C substitution at nucleotide position 847. The lysine at codon 283 is replaced by glutamine, an amino acid with similar properties. This amino acid position is conserved. In addition, the in silico prediction for this alteration is inconclusive. Based on the available evidence, the clinical significance of this variant remains unclear.

NM_005188.4(CBL):c.847A>C (p.Lys283Gln)

Gene: CBL (Cbl proto-oncogene; plus strand). Cytogenetic location: 11q23.3.
Variant type: single nucleotide variant.
Coding change: c.847A>C on transcript NM_005188.4 (MANE Select); coding-DNA position 847, A replaced by C.
Protein change: p.Lys283Gln; replaces lysine 283 with glutamine.
Molecular consequence: missense variant.
Genome position (GRCh38, 1-based): chr11:119,274,931, A>C. VCF-style: chr11-119274931-A-C. GRCh37 (hg19) VCF-style: chr11-119145641-A-C.
Other names: short protein forms K283Q.
Identifiers: ClinVar variation 4868256 (VCV004868256.1).
Genomic context (GRCh38, chr11:119,274,931, plus strand): 5'-GTAACTCATCCTGGCTACATGGCTTTTTTGACGTATGACGAAGTGAAAGCTCGGCTCCAG[A>C]AATTCATTCACAAACCTGGCAGGTCAGTTCAATGACGCAAAGAGATTTATTCTTCTGAAT-3'
Protein context (NP_005179.2, residues 273-293): TYDEVKARLQ[Lys283Gln]FIHKPGSYIF